The following is an entry in ClinVar:

NM_001186.4(BACH1):c.840C>T (p.Asp280=)

Gene: BACH1 (BTB domain and CNC homolog 1; plus strand). Cytogenetic location: 21q21.3.
Variant type: single nucleotide variant.
Coding change: c.840C>T on transcript NM_001186.4 (MANE Select); coding-DNA position 840, C replaced by T.
Protein change: p.Asp280=; no amino-acid change (aspartic acid 280 retained).
Molecular consequence: synonymous variant. On other transcripts: non-coding transcript variant (1).
Genome position (GRCh38, 1-based): chr21:29,326,664, C>T. VCF-style: chr21-29326664-C-T. GRCh37 (hg19) VCF-style: chr21-30698985-C-T.
Other names: c.840C>T, p.Asp280= (NM_206866.3).
Identifiers: ClinVar variation 3046654 (VCV003046654.2), dbSNP rs77477102, ClinGen allele CA9992958.

ClinVar aggregate classification (germline): Likely benign (0 of 4 stars; one submission).

Conditions:
BACH1-related disorder. Also called: BACH1-related condition.

Allele frequency attached by ClinVar (database versions not stated): gnomAD exomes 0.00004; ExAC 0.00014; ESP Exome Variant Server 0.00031; gnomAD 0.00035; TOPMed 0.00043; 1000 Genomes Project 0.00080; 1000 Genomes Project 30x 0.00094.
gnomAD v4.1: 114 of 1,614,022 alleles (0.0071%); highest among the groups gnomAD compares: African/African-American, 0.12%; no homozygotes.

Submission:

PreventionGenetics, part of Exact Sciences
Classification: Likely benign for BACH1-related condition. Last evaluated: 2019-03-26. Review status: no assertion criteria provided. Collection method: clinical testing. Allele origin: germline.
Comment: This variant is classified as likely benign based on ACMG/AMP sequence variant interpretation guidelines (Richards et al. 2015 PMID: 25741868, with internal and published modifications).